The following is an entry in ClinVar:

NM_002474.3(MYH11):c.2808C>G (p.Asp936Glu)

Gene: MYH11 (myosin heavy chain 11; minus strand). Cytogenetic location: 16p13.11.
Variant type: single nucleotide variant.
Coding change: c.2808C>G on transcript NM_002474.3 (MANE Select); coding-DNA position 2808, C replaced by G.
Protein change: p.Asp936Glu; replaces aspartic acid 936 with glutamic acid.
Molecular consequence: missense variant.
Genome position (GRCh38, 1-based): chr16:15,741,514, G>C on the plus strand (C>G on the coding strand, the complement: MYH11 is on the minus strand). VCF-style: chr16-15741514-G-C. GRCh37 (hg19) VCF-style: chr16-15835371-G-C.
Other names: c.2829C>G, p.Asp943Glu (NM_001040113.2, NM_001040114.2); c.2808C>G, p.Asp936Glu (NM_022844.3); c.2808C>G (NM_002474.2); short protein forms D936E, D943E.
Identifiers: ClinVar variation 1960698 (VCV001960698.6), dbSNP rs2506205038, ClinGen allele CA394865013.
Genomic context (GRCh38, chr16:15,741,514, plus strand): 5'-ACACCTTACCAGCATCTGCTGGGCCATCTTCTTCCTTTCAGCCTGTAGCTGCTGGCCCCT[G>C]TCTTCCTCCTCCTCCAGGCGGGCCTCCATCTCATGCAGTATCTCCTCCAGCTCCTGCTTC-3'
Protein context (NP_002465.1, residues 926-946): EMEARLEEEE[Asp936Glu]RGQQLQAERK

ClinVar aggregate classification (germline): Uncertain significance. Review status: criteria provided, multiple submitters, no conflicts (2 of 4 stars). 2 submissions from 2 submitters: Uncertain significance (2). Last evaluated 2024-01-18.

Conditions:
Aortic aneurysm, familial thoracic 4 (AAT4). Also called: AORTIC ANEURYSM/AORTIC DISSECTION AND PATENT DUCTUS ARTERIOSUS. Identifiers: MedGen C1851504, MONDO:0007568, OMIM 132900.

Submissions (2):

GeneDx
Classification: Uncertain significance. Last evaluated: 2024-01-18. Review status: criteria provided, single submitter. Criteria: GeneDx Variant Classification Process June 2021. Collection method: clinical testing. Allele origin: germline. Affected: yes.
Comment: Not observed at significant frequency in large population cohorts (gnomAD); In silico analysis supports that this missense variant does not alter protein structure/function; Has not been previously published as pathogenic or benign to our knowledge

Labcorp Genetics (formerly Invitae), Labcorp
Classification: Uncertain significance for Aortic aneurysm, familial thoracic 4. Last evaluated: 2022-09-27. Review status: criteria provided, single submitter. Criteria: Invitae Variant Classification Sherloc (09022015). Collection method: clinical testing. Allele origin: germline.
Comment: In summary, the available evidence is currently insufficient to determine the role of this variant in disease. Therefore, it has been classified as a Variant of Uncertain Significance. Advanced modeling of protein sequence and biophysical properties (such as structural, functional, and spatial information, amino acid conservation, physicochemical variation, residue mobility, and thermodynamic stability) performed at Invitae indicates that this missense variant is not expected to disrupt MYH11 protein function. This variant has not been reported in the literature in individuals affected with MYH11-related conditions. This variant is not present in population databases (gnomAD no frequency). This sequence change replaces aspartic acid, which is acidic and polar, with glutamic acid, which is acidic and polar, at codon 943 of the MYH11 protein (p.Asp943Glu).